The following is an entry in ClinVar:

NM_015046.7(SETX):c.331C>T (p.Arg111Ter)

Gene: SETX (senataxin; minus strand). Cytogenetic location: 9q34.13.
Variant type: single nucleotide variant.
Coding change: c.331C>T on transcript NM_015046.7 (MANE Select); coding-DNA position 331, C replaced by T.
Protein change: p.Arg111Ter; replaces arginine 111 with a stop codon.
Molecular consequence: nonsense.
Genome position (GRCh38, 1-based): chr9:132,346,318, G>A on the plus strand (C>T on the coding strand, the complement: SETX is on the minus strand). VCF-style: chr9-132346318-G-A. GRCh37 (hg19) VCF-style: chr9-135221705-G-A.
Other names: c.331C>T, p.Arg111Ter (NM_001351527.2, NM_001351528.2); short protein forms R111*.
Identifiers: ClinVar variation 2071447 (VCV002071447.5), dbSNP rs1451908310, ClinGen allele CA375351227.

ClinVar aggregate classification (germline): Pathogenic. Review status: criteria provided, multiple submitters, no conflicts (2 of 4 stars). 2 submissions from 2 submitters: Pathogenic (2). Last evaluated 2025-10-22.

Conditions:
Spinocerebellar ataxia, autosomal recessive, with axonal neuropathy 2 (SCAN2). Also called: Ataxia with Oculomotor Apraxia Type 2; ATAXIA-OCULOMOTOR APRAXIA 2; Ataxia with Oculomotor Apraxia; Ataxia-ocular apraxia-2. Identifiers: Orphanet 64753, MedGen C1853761, MONDO:0018996, OMIM 606002.
Amyotrophic lateral sclerosis type 4 (ALS4). Also called: AMYOTROPHIC LATERAL SCLEROSIS 4, JUVENILE; NEURONOPATHY, DISTAL HEREDITARY MOTOR, WITH PYRAMIDAL FEATURES. Identifiers: Orphanet 357043, MedGen C1865409, MONDO:0011223, OMIM 602433.

Allele frequency attached by ClinVar (database versions not stated): gnomAD exomes below 0.00001; gnomAD 0.00001.
gnomAD v4.1: 8 of 1,613,904 alleles (0.0005%); highest among the groups gnomAD compares: Non-Finnish European, 0.00025%; no homozygotes.

Submissions (2):

Labcorp Genetics (formerly Invitae), Labcorp
Classification: Pathogenic for Amyotrophic lateral sclerosis type 4; Spinocerebellar ataxia, autosomal recessive, with axonal neuropathy 2. Last evaluated: 2025-10-22. Review status: criteria provided, single submitter. Criteria: Invitae Variant Classification Sherloc (09022015). Collection method: clinical testing. Allele origin: germline.
Comment: This sequence change creates a premature translational stop signal (p.Arg111*) in the SETX gene. It is expected to result in an absent or disrupted protein product. Loss-of-function variants in SETX are known to be pathogenic (PMID: 14770181). This variant is present in population databases (no rsID available, gnomAD 0.008%). This variant has not been reported in the literature in individuals affected with SETX-related conditions. ClinVar contains an entry for this variant (Variation ID: 2071447). For these reasons, this variant has been classified as Pathogenic.

3billion
Classification: Pathogenic for Spinocerebellar ataxia, autosomal recessive, with axonal neuropathy 2. Last evaluated: 2023-10-26. Review status: criteria provided, single submitter. Criteria: ACMG Guidelines, 2015. Collection method: clinical testing. Allele origin: germline. Affected: yes.
Comment: The variant is observed at an extremely low frequency in the gnomAD v2.1.1 dataset (total allele frequency: 0.001%). Predicted Consequence/Location: Stop-gained (nonsense): predicted to result in a loss or disruption of normal protein function through nonsense-mediated decay (NMD) or protein truncation. Multiple pathogenic variants are reported downstream of the variant. The variant has been reported to be associated with SETX related disorder (ClinVar ID: VCV002071447). Therefore, this variant is classified as Pathogenic according to the recommendation of ACMG/AMP guideline.

Literature cited by the submitters: PubMed 14770181 (cited by Labcorp Genetics (formerly Invitae), Labcorp).